The following is an entry in ClinVar:

ClinVar aggregate classification (germline): Benign. Review status: criteria provided, multiple submitters, no conflicts (2 of 4 stars). 3 submissions from 3 submitters: Benign (3). Last evaluated 2026-08-01.

Allele frequency attached by ClinVar (database versions not stated): 1000 Genomes Project 0.00359; 1000 Genomes Project 30x 0.00390; gnomAD 0.00891 and 0.00973; TOPMed 0.00907; gnomAD exomes 0.00927 and 0.01217; ExAC 0.00989; ESP Exome Variant Server 0.01130.
gnomAD v4.1: 19,060 of 1,614,048 alleles (1.2%); highest among the groups gnomAD compares: Non-Finnish European, 1.4%; 142 homozygotes.

Submissions (3):

CeGaT Center for Human Genetics Tuebingen
Classification: Benign. Last evaluated: 2026-08-01. Review status: criteria provided, single submitter. Criteria: CeGaT Center For Human Genetics Tuebingen Variant Classification Criteria Version 2. Collection method: clinical testing. Allele origin: germline. Affected: yes. Observed: 24 variant alleles.
Comment: NFASC: BP4, BS1, BS2

Labcorp Genetics (formerly Invitae), Labcorp
Classification: Benign. Last evaluated: 2018-12-11. Review status: criteria provided, single submitter. Criteria: Invitae Variant Classification Sherloc (09022015). Collection method: clinical testing. Allele origin: germline.

Breakthrough Genomics
Classification: Benign. Review status: criteria provided, single submitter. Criteria: ACMG Guidelines, 2015. Collection method: not provided. Allele origin: germline. Inheritance: Autosomal recessive inheritance. Affected: yes.

NM_001005388.3(NFASC):c.2601G>C (p.Gly867=)

Gene: NFASC (neurofascin; plus strand). Cytogenetic location: 1q32.1.
Variant type: single nucleotide variant.
Coding change: c.2601G>C on transcript NM_001005388.3 (MANE Select); coding-DNA position 2601, G replaced by C.
Protein change: p.Gly867=; no amino-acid change (glycine 867 retained).
Molecular consequence: synonymous variant.
Genome position (GRCh38, 1-based): chr1:204,988,640, G>C. VCF-style: chr1-204988640-G-C. GRCh37 (hg19) VCF-style: chr1-204957768-G-C.
Other names: c.2589G>C, p.Gly863= (NM_001365986.1); c.2922G>C, p.Gly974= (NM_001378329.1); c.2910G>C, p.Gly970= (NM_015090.4, NM_001160332.2); c.2955G>C, p.Gly985= (NM_001160331.2).
Identifiers: ClinVar variation 770333 (VCV000770333.28), dbSNP rs79077032, ClinGen allele CA1350401.